The following is an entry in ClinVar:

NM_004415.4(DSP):c.4678C>T (p.Gln1560Ter)

Gene: DSP (desmoplakin; plus strand). Cytogenetic location: 6p24.3.
Variant type: single nucleotide variant.
Coding change: c.4678C>T on transcript NM_004415.4 (MANE Select); coding-DNA position 4678, C replaced by T.
Protein change: p.Gln1560Ter; replaces glutamine 1560 with a stop codon.
Molecular consequence: nonsense. On other transcripts: intron variant (2).
Genome position (GRCh38, 1-based): chr6:7,580,868, C>T. VCF-style: chr6-7580868-C-T. GRCh37 (hg19) VCF-style: chr6-7581101-C-T.
Other names: c.4050+628C>T (NM_001319034.2); c.3582+1096C>T (NM_001008844.3); short protein forms Q1560*.
Identifiers: ClinVar variation 2574082 (VCV002574082.3), dbSNP rs773320949, ClinGen allele CA362686918.

ClinVar aggregate classification (germline): Pathogenic. Review status: criteria provided, single submitter (1 of 4 stars). 2 submissions from 2 submitters: Pathogenic (1). 1 of the submissions does not count toward it. Last evaluated 2025-07-27.

Conditions:
Arrhythmogenic right ventricular dysplasia 8 (ARVD8). Also called: Arrhythmogenic Right Ventricular Dysplasia/Cardiomyopathy 8; ARRHYTHMOGENIC RIGHT VENTRICULAR DYSPLASIA, FAMILIAL, 8; ARRHYTHMOGENIC RIGHT VENTRICULAR CARDIOMYOPATHY 8. Identifiers: MedGen C1843896, MONDO:0011831, OMIM 607450.
Arrhythmogenic cardiomyopathy with wooly hair and keratoderma. Also called: Dilated cardiomyopathy with woolly hair and keratoderma; PALMOPLANTAR KERATODERMA WITH LEFT VENTRICULAR CARDIOMYOPATHY AND WOOLLY HAIR; Arrhythmogenic cardiomyopathy with woolly hair and keratoderma; Carvajal syndrome. Identifiers: Orphanet 65282, MedGen C1854063, MONDO:0011581, OMIM 605676.

Submissions (2):

Labcorp Genetics (formerly Invitae), Labcorp
Classification: Pathogenic for Arrhythmogenic cardiomyopathy with wooly hair and keratoderma; Arrhythmogenic right ventricular dysplasia 8. Last evaluated: 2025-07-27. Review status: criteria provided, single submitter. Criteria: Invitae Variant Classification Sherloc (09022015). Collection method: clinical testing. Allele origin: germline.
Comment: This sequence change creates a premature translational stop signal (p.Gln1560*) in the DSP gene. It is expected to result in an absent or disrupted protein product. Loss-of-function variants in DSP are known to be pathogenic (PMID: 20716751, 24503780, 25227139). This variant is not present in population databases (gnomAD no frequency). This variant has not been reported in the literature in individuals affected with DSP-related conditions. ClinVar contains an entry for this variant (Variation ID: 2574082). For these reasons, this variant has been classified as Pathogenic.

deCODE genetics, Amgen
Classification: Likely pathogenic for Arrhythmogenic right ventricular dysplasia 8. Last evaluated: 2023-07-21. Review status: no assertion criteria provided. Collection method: research. Allele origin: germline. Affected: yes. Observed: 1 variant allele. Not counted in ClinVar's aggregate classification.
Comment: The variant NM_004415.4:c.4678C>T (chr6:7580868) in DSP was detected in 1 heterozygote out of 58K WGS Icelanders (MAF= 0,001%). This variant has not been reported in ClinVar previously. Based on ACMG criteria (PVS1, PM2) this variant classifies as likely pathogenic.

Literature cited by the submitters: PubMed 20716751 (cited by Labcorp Genetics (formerly Invitae), Labcorp); PubMed 24503780 (cited by Labcorp Genetics (formerly Invitae), Labcorp); PubMed 25227139 (cited by Labcorp Genetics (formerly Invitae), Labcorp).